The following is an entry in ClinVar:

NM_016938.5(EFEMP2):c.608A>C (p.Asp203Ala)

Gene: EFEMP2 (EGF-like fibulin extracellular matrix protein 2; minus strand). Cytogenetic location: 11q13.1.
Variant type: single nucleotide variant.
Coding change: c.608A>C on transcript NM_016938.5 (MANE Select); coding-DNA position 608, A replaced by C.
Protein change: p.Asp203Ala; replaces aspartic acid 203 with alanine.
Molecular consequence: missense variant. On other transcripts: non-coding transcript variant (1).
Genome position (GRCh38, 1-based): chr11:65,869,976, T>G on the plus strand (A>C on the coding strand, the complement: EFEMP2 is on the minus strand). VCF-style: chr11-65869976-T-G. GRCh37 (hg19) VCF-style: chr11-65637447-T-G.
Other names: short protein forms D203A.
Identifiers: ClinVar variation 39014 (VCV000039014.13), dbSNP rs193302864, ClinGen allele CA282144.

ClinVar aggregate classification (germline): Pathogenic/Likely pathogenic. Review status: criteria provided, multiple submitters, no conflicts (2 of 4 stars). 6 submissions from 6 submitters: Pathogenic (2); Likely pathogenic (2). 2 of the submissions do not count toward it. Last evaluated 2023-12-18.

Conditions:
EFEMP2-related disorders.
Cutis laxa, autosomal recessive, type 1B (ARCL1B). Also called: EFEMP2-Related Cutis Laxa; CUTIS LAXA, AUTOSOMAL RECESSIVE, TYPE IB. Identifiers: Orphanet 90349, MedGen C3280798, MONDO:0013754, OMIM 614437. Disease mechanism: loss of function.
Cutis laxa, autosomal recessive, type 1A (ARCL1A). Also called: Autosomal recessive cutis laxa type IA. Identifiers: Orphanet 90349, MedGen C5848058, MONDO:0009052, OMIM 219100.

Allele frequency attached by ClinVar (database versions not stated): gnomAD exomes below 0.00001 and 0.00001; ExAC 0.00001.
gnomAD v4.1: 2 of 1,613,790 alleles (0.00012%); highest among the groups gnomAD compares: South Asian, 0.0022%; no homozygotes.

Submissions (6):

Blueprint Genetics
Classification: Pathogenic for EFEMP2-related disorders. Last evaluated: 2023-12-18. Review status: criteria provided, single submitter. Criteria: ACMG Guidelines, 2015. Collection method: clinical testing. Allele origin: germline. Affected: yes. Observed: 1 variant allele.

GeneDx
Classification: Pathogenic. Last evaluated: 2023-03-30. Review status: criteria provided, single submitter. Criteria: GeneDx Variant Classification Process June 2021. Collection method: clinical testing. Allele origin: germline. Affected: yes.
Comment: Not observed at a significant frequency in large population cohorts (gnomAD); Published functional studies demonstrate a damaging effect via decreased secretion and impaired extracellular assembly (Sasaki et al., 2019); In silico analysis supports that this missense variant has a deleterious effect on protein structure/function; This variant is associated with the following publications: (PMID: 24838734, 34901216, 22943132, 31125616)

Revvity Omics, Revvity
Classification: Likely pathogenic for Cutis laxa, autosomal recessive, type 1B. Last evaluated: 2020-08-24. Review status: criteria provided, single submitter. Criteria: ACMG Guidelines, 2015. Collection method: clinical testing. Allele origin: germline.

Kasturba Medical College, Manipal, Kasturba Medical College, Manipal, Manipal Academy of Higher Education, Manipal, India
Classification: Likely pathogenic for Cutis laxa, autosomal recessive, type 1B. Review status: criteria provided, single submitter. Criteria: ACMG Guidelines, 2015. Collection method: clinical testing. Allele origin: biparental. Inheritance: Autosomal recessive inheritance. Affected: yes. Observed: 1 homozygote.
Comment: This confirms the diagnosis of cutis laxa, autosomal recessive, type IB in Abdul Hazim.

OMIM
Classification: Pathogenic for CUTIS LAXA, AUTOSOMAL RECESSIVE, TYPE 1B. Last evaluated: 2012-09-03. Review status: no assertion criteria provided. Collection method: literature only. Allele origin: germline. Not counted in ClinVar's aggregate classification.

GeneReviews
No classification provided. Condition: Autosomal recessive cutis laxa type 1. Review status: no classification provided. Collection method: literature only. Allele origin: unknown. Not counted in ClinVar's aggregate classification.

Literature cited by the submitters: PubMed 22943132 (cited by OMIM); PubMed 21563328 (cited by GeneReviews); NCBI Bookshelf NBK54467 (cited by GeneReviews).